The following is an entry in ClinVar:

ClinVar aggregate classification (germline): Pathogenic (1 of 4 stars; one submission).

Conditions:
Wilms tumor 1 (WT1). Also called: Wilms tumor, somatic. Identifiers: Orphanet 654, MedGen CN033288, MONDO:0008679, OMIM 194070.
11p partial monosomy syndrome (WAGR). Also called: CHROMOSOME 11p13 DELETION SYNDROME; WAGR syndrome; WAGR Complex; WAGR Spectrum Disorder. Identifiers: Orphanet 893, MedGen C0206115, MONDO:0008681, OMIM 194072.
Drash syndrome (DDS). Also called: NEPHROPATHY, WILMS TUMOR, AND GENITAL ANOMALIES; WILMS TUMOR AND PSEUDO- OR TRUE HERMAPHRODITISM. Identifiers: Orphanet 220, MedGen C0950121, MONDO:0008682, OMIM 194080.
Frasier syndrome. Identifiers: Orphanet 347, MedGen C0950122, MeSH D052159, MONDO:0007635, OMIM 136680.

Submission:

Labcorp Genetics (formerly Invitae), Labcorp
Classification: Pathogenic for Wilms tumor 1; Drash syndrome; 11p partial monosomy syndrome; Frasier syndrome. Last evaluated: 2023-08-27. Review status: criteria provided, single submitter. Criteria: Invitae Variant Classification Sherloc (09022015). Collection method: clinical testing. Allele origin: unknown.
Comment: For these reasons, this variant has been classified as Pathogenic. This variant is a gross deletion of the genomic region encompassing exon(s) 4-6 of the WT1 gene. This deletion is out-of-frame, and is expected to create a premature termination codon and result in an absent or disrupted protein product. Loss-of-function variants in WT1 are known to be pathogenic (PMID: 15150775). This variant has not been reported in the literature in individuals affected with WT1-related conditions.

Literature cited by the submitters: PubMed 15150775.

NC_000011.9:g.(?_32421474)_(32439220_?)del

Gene: WT1 (WT1 transcription factor; minus strand). Cytogenetic location: 11p13.
Variant type: Deletion.
Identifiers: ClinVar variation 3244688 (VCV003244688.1).